The following is an entry in ClinVar:

ClinVar aggregate classification (germline): Uncertain significance (1 of 4 stars; one submission).

gnomAD v4.1: 2 of 1,583,672 alleles (0.00013%); highest among the groups gnomAD compares: African/African-American, 0.0027%; no homozygotes.

Submission:

Labcorp Genetics (formerly Invitae), Labcorp
Classification: Uncertain significance. Last evaluated: 2021-08-09. Review status: criteria provided, single submitter. Criteria: Invitae Variant Classification Sherloc (09022015). Collection method: clinical testing. Allele origin: germline.
Comment: This variant is not present in population databases (ExAC no frequency). This sequence change replaces alanine with serine at codon 1758 of the LAMB1 protein (p.Ala1758Ser). The alanine residue is highly conserved and there is a moderate physicochemical difference between alanine and serine. This variant has not been reported in the literature in individuals with LAMB1-related conditions. Algorithms developed to predict the effect of missense changes on protein structure and function (SIFT, PolyPhen-2, Align-GVGD) all suggest that this variant is likely to be disruptive, but these predictions have not been confirmed by published functional studies and their clinical significance is uncertain. In summary, the available evidence is currently insufficient to determine the role of this variant in disease. Therefore, it has been classified as a Variant of Uncertain Significance.

NM_002291.3(LAMB1):c.5272G>T (p.Ala1758Ser)

Gene: LAMB1 (laminin subunit beta 1; minus strand). Cytogenetic location: 7q31.1.
Variant type: single nucleotide variant.
Coding change: c.5272G>T on transcript NM_002291.3 (MANE Select); coding-DNA position 5272, G replaced by T.
Protein change: p.Ala1758Ser; replaces alanine 1758 with serine.
Molecular consequence: missense variant.
Genome position (GRCh38, 1-based): chr7:107,924,040, C>A on the plus strand (G>T on the coding strand, the complement: LAMB1 is on the minus strand). VCF-style: chr7-107924040-C-A. GRCh37 (hg19) VCF-style: chr7-107564485-C-A.
Other names: short protein forms A1758S.
Identifiers: ClinVar variation 1365195 (VCV001365195.8), dbSNP rs201165389, ClinGen allele CA368859914.